The following is an entry in ClinVar:

ClinVar aggregate classification (germline): Uncertain significance. Review status: criteria provided, multiple submitters, no conflicts (2 of 4 stars). 2 submissions from 2 submitters: Uncertain significance (2). Last evaluated 2026-06-03.

Conditions:
Cardiovascular phenotype. Identifiers: MedGen CN230736.
Myofibrillar myopathy 4. Also called: Zaspopathy (type). Identifiers: Orphanet 98912, MedGen C4721886, MONDO:0012277, OMIM 609452.

Allele frequency attached by ClinVar (database versions not stated): TOPMed 0.00001.
gnomAD v4.1: 9 of 1,614,062 alleles (0.00056%); highest among the groups gnomAD compares: Middle Eastern, 0.016%; no homozygotes.

Submissions (2):

Ambry Genetics
Classification: Uncertain significance for Cardiovascular phenotype. Last evaluated: 2026-06-03. Review status: criteria provided, single submitter. Criteria: Ambry Variant Classification Scheme 2023. Collection method: clinical testing. Allele origin: germline.
Comment: The c.891G>T (p.R297S) alteration is located in exon 6 (coding exon 6) of the LDB3 gene. This alteration results from a G to T substitution at nucleotide position 891, causing the arginine (R) at amino acid position 297 to be replaced by a serine (S). Based on data from gnomAD, the T allele has an overall frequency of <0.001% (1/251488) total alleles studied. The highest observed frequency was 0.001% (1/113764) of European (non-Finnish) alleles. Based on insufficient or conflicting evidence, the clinical significance of this alteration remains unclear.

Labcorp Genetics (formerly Invitae), Labcorp
Classification: Uncertain significance for Myofibrillar myopathy 4. Last evaluated: 2023-03-23. Review status: criteria provided, single submitter. Criteria: Invitae Variant Classification Sherloc (09022015). Collection method: clinical testing. Allele origin: germline.
Comment: This sequence change replaces arginine, which is basic and polar, with serine, which is neutral and polar, at codon 250 of the LDB3 protein (p.Arg250Ser). This variant is present in population databases (no rsID available, gnomAD 0.0009%). This variant has not been reported in the literature in individuals affected with LDB3-related conditions. ClinVar contains an entry for this variant (Variation ID: 464280). An algorithm developed to predict the effect of missense changes on protein structure and function (PolyPhen-2) suggests that this variant is likely to be disruptive. In summary, the available evidence is currently insufficient to determine the role of this variant in disease. Therefore, it has been classified as a Variant of Uncertain Significance.

NM_007078.3(LDB3):c.891G>T (p.Arg297Ser)

Gene: LDB3 (LIM domain binding 3; plus strand). Cytogenetic location: 10q23.2.
Variant type: single nucleotide variant.
Coding change: c.891G>T on transcript NM_007078.3 (MANE Select); coding-DNA position 891, G replaced by T.
Protein change: p.Arg297Ser; replaces arginine 297 with serine.
Molecular consequence: missense variant.
Genome position (GRCh38, 1-based): chr10:86,692,566, G>T. VCF-style: chr10-86692566-G-T. GRCh37 (hg19) VCF-style: chr10-88452323-G-T.
Other names: c.750G>T, p.Arg250Ser (NM_001080116.1, NM_001080114.2, NM_001368066.1 and 2 more transcripts); c.891G>T (NM_007078.2); c.891G>T, p.Arg297Ser (NM_001080115.2, NM_001368063.1, NM_001368064.1 and 1 more transcripts); c.1095G>T, p.Arg365Ser (NM_001171610.2, NM_001171611.2); short protein forms R250S, R297S, R365S.
Identifiers: ClinVar variation 464280 (VCV000464280.12), dbSNP rs374336814, ClinGen allele CA377443651.